The following is an entry in ClinVar:

NM_001481.3(GAS8):c.1430C>T (p.Pro477Leu)

Gene: GAS8 (growth arrest specific 8; plus strand). Cytogenetic location: 16q24.3.
Variant type: single nucleotide variant.
Coding change: c.1430C>T on transcript NM_001481.3 (MANE Select); coding-DNA position 1430, C replaced by T.
Protein change: p.Pro477Leu; replaces proline 477 with leucine.
Molecular consequence: missense variant. On other transcripts: non-coding transcript variant (1).
Genome position (GRCh38, 1-based): chr16:90,043,338, C>T. VCF-style: chr16-90043338-C-T. GRCh37 (hg19) VCF-style: chr16-90109746-C-T.
Other names: p.Pro477Leu; c.1181C>T, p.Pro394Leu (NM_001286205.2); c.854C>T, p.Pro285Leu (NM_001286208.2); c.1355C>T, p.Pro452Leu (NM_001286209.2); short protein forms P285L, P394L, P452L, P477L.
Identifiers: ClinVar variation 3380448 (VCV003380448.1).

ClinVar aggregate classification (germline): Uncertain significance (1 of 4 stars; one submission).

gnomAD v4.1: 63 of 1,592,772 alleles (0.004%); highest among the groups gnomAD compares: African/African-American, 0.06%; no homozygotes.

Submission:

Mayo Clinic Laboratories, Mayo Clinic
Classification: Uncertain significance. Last evaluated: 2024-06-05. Review status: criteria provided, single submitter. Criteria: ACMG Guidelines, 2015. Collection method: clinical testing. Allele origin: germline. Observed: 1 variant allele.
Comment: BP4